The following is an entry in ClinVar:

NM_000238.4(KCNH2):c.1912A>G (p.Lys638Glu)

Gene: KCNH2 (potassium voltage-gated channel subfamily H member 2; minus strand). Cytogenetic location: 7q36.1.
Variant type: single nucleotide variant.
Coding change: c.1912A>G on transcript NM_000238.4 (MANE Select); coding-DNA position 1912, A replaced by G.
Protein change: p.Lys638Glu; replaces lysine 638 with glutamic acid.
Molecular consequence: missense variant.
Genome position (GRCh38, 1-based): chr7:150,951,481, T>C on the plus strand (A>G on the coding strand, the complement: KCNH2 is on the minus strand). VCF-style: chr7-150951481-T-C. GRCh37 (hg19) VCF-style: chr7-150648569-T-C.
Other names: c.1912A>G (LRG_288t1); c.892A>G, p.Lys298Glu (NM_001204798.2, NM_172057.3); c.1624A>G, p.Lys542Glu (NM_001406753.1, NM_001406756.1); c.1735A>G, p.Lys579Glu (NM_001406755.1); c.1612A>G, p.Lys538Glu (NM_001406757.1); c.1912A>G, p.Lys638Glu (NM_172056.3); short protein forms K298E, K638E, K542E, K538E, K579E.
Identifiers: ClinVar variation 67332 (VCV000067332.14), dbSNP rs199473528, ClinGen allele CA005976.

ClinVar aggregate classification (germline): Conflicting classifications of pathogenicity. Review status: criteria provided, conflicting classifications (1 of 4 stars). 3 submissions from 3 submitters: Pathogenic (1); Uncertain significance (1). 1 of the submissions does not count toward it. Last evaluated 2025-09-01.

Conditions:
Familial long QT syndrome (RWS). Also called: Congenital long QT syndrome; Romano-Ward syndrome; VENTRICULAR FIBRILLATION WITH PROLONGED QT INTERVAL. Identifiers: Orphanet 768, MedGen C1141890, MONDO:0019171.
Long QT syndrome (LQTS). Identifiers: MedGen C0023976, MeSH D008133, MONDO:0002442. Disease mechanism: loss of function. Inheritance: Various modes of inheritance.

Submissions (3):

CeGaT Center for Human Genetics Tuebingen
Classification: Pathogenic. Last evaluated: 2025-09-01. Review status: criteria provided, single submitter. Criteria: CeGaT Center For Human Genetics Tuebingen Variant Classification Criteria Version 2. Collection method: clinical testing. Allele origin: germline. Affected: yes. Observed: 1 variant allele.
Comment: KCNH2: PM1, PM2, PS4:Moderate, PM5:Supporting, PP2, PP3, PS3:Supporting

Labcorp Genetics (formerly Invitae), Labcorp
Classification: Uncertain significance for Long QT syndrome. Last evaluated: 2024-08-11. Review status: criteria provided, single submitter. Criteria: Invitae Variant Classification Sherloc (09022015). Collection method: clinical testing. Allele origin: germline.
Comment: This sequence change replaces lysine, which is basic and polar, with glutamic acid, which is acidic and polar, at codon 638 of the KCNH2 protein (p.Lys638Glu). This variant is not present in population databases (gnomAD no frequency). This missense change has been observed in individuals with KCNH2-related conditions (PMID: 10973849, 11854117, 26669661; Invitae). ClinVar contains an entry for this variant (Variation ID: 67332). An algorithm developed to predict the effect of missense changes on protein structure and function (PolyPhen-2) suggests that this variant is likely to be disruptive. Experimental studies have shown that this missense change affects KCNH2 function (PMID: 25417810, 31557540). In summary, the available evidence is currently insufficient to determine the role of this variant in disease. Therefore, it has been classified as a Variant of Uncertain Significance.

Cardiovascular Biomedical Research Unit, Royal Brompton & Harefield NHS Foundation Trust
No classification provided. Condition: Familial long QT syndrome. Review status: no classification provided. Collection method: literature only. Allele origin: germline. Not counted in ClinVar's aggregate classification.
Comment: This variant has been reported as associated with Long QT syndrome in the following publications (PMID:10973849;PMID:11854117;PMID:22378279). This is a literature report, and does not necessarily reflect the clinical interpretation of the Imperial College / Royal Brompton Cardiovascular Genetics laboratory.

Literature cited by the submitters: PubMed 10973849 (cited by Labcorp Genetics (formerly Invitae), Labcorp and Cardiovascular Biomedical Research Unit, Royal Brompton & Harefield NHS Foundation Trust); PubMed 11854117 (cited by Labcorp Genetics (formerly Invitae), Labcorp and Cardiovascular Biomedical Research Unit, Royal Brompton & Harefield NHS Foundation Trust); PubMed 26669661 (cited by Labcorp Genetics (formerly Invitae), Labcorp); PubMed 25417810 (cited by Labcorp Genetics (formerly Invitae), Labcorp); PubMed 31557540 (cited by Labcorp Genetics (formerly Invitae), Labcorp); PubMed 22378279 (cited by Cardiovascular Biomedical Research Unit, Royal Brompton & Harefield NHS Foundation Trust); PubMed 22581653 (cited by Cardiovascular Biomedical Research Unit, Royal Brompton & Harefield NHS Foundation Trust).